The following is an entry in ClinVar:

ClinVar aggregate classification (germline): Likely benign. Review status: criteria provided, single submitter (1 of 4 stars). 2 submissions from 2 submitters: Likely benign (1). 1 of the submissions does not count toward it. Last evaluated 2026-05-01.

Conditions:
DNAH17-related disorder. Also called: DNAH17-related condition.

Allele frequency attached by ClinVar (database versions not stated): ESP Exome Variant Server 0.00346; ExAC 0.00397; 1000 Genomes Project 30x 0.00094; 1000 Genomes Project 0.00120; TOPMed 0.00287; gnomAD 0.00328.
gnomAD v4.1: 6,533 of 1,614,038 alleles (0.4%); highest among the groups gnomAD compares: Non-Finnish European, 0.46%; 19 homozygotes.

Submissions (2):

CeGaT Center for Human Genetics Tuebingen
Classification: Likely benign. Last evaluated: 2026-05-01. Review status: criteria provided, single submitter. Criteria: CeGaT Center For Human Genetics Tuebingen Variant Classification Criteria Version 2. Collection method: clinical testing. Allele origin: germline. Affected: yes. Observed: 4 variant alleles.
Comment: DNAH17: BP4, BP7, BS2; PGS1: BS2

PreventionGenetics, part of Exact Sciences
Classification: Likely benign for DNAH17-related condition. Last evaluated: 2019-03-01. Review status: no assertion criteria provided. Collection method: clinical testing. Allele origin: germline. Not counted in ClinVar's aggregate classification.
Comment: This variant is classified as likely benign based on ACMG/AMP sequence variant interpretation guidelines (Richards et al. 2015 PMID: 25741868, with internal and published modifications).

NM_024419.5(PGS1):c.*11-44C>A

Genes: DNAH17 (dynein axonemal heavy chain 17; minus strand), PGS1 (phosphatidylglycerophosphate synthase 1; plus strand). Cytogenetic location: 17q25.3.
Variant type: single nucleotide variant.
Coding change: c.*11-44C>A on transcript NM_024419.5 (MANE Select); 44 bases into the intron before 11 bases downstream of the stop codon, C replaced by A.
Molecular consequence: intron variant. On other transcripts: synonymous variant (1).
Genome position (GRCh38, 1-based): chr17:78,424,017, C>A. VCF-style: chr17-78424017-C-A. GRCh37 (hg19) VCF-style: chr17-76420098-C-A.
Other names: c.13278G>T, p.Val4426= (NM_173628.4).
Identifiers: ClinVar variation 2648343 (VCV002648343.25), dbSNP rs138312957, ClinGen allele CA8799567.
Genomic context (GRCh38, chr17:78,424,017, plus strand): 5'-CTCTTTGGTCTTCAAGTTAAAGGTCCAGACATAGGTGGGGCCGCGGATGCGTGTTTTGTA[C>A]ACGGGACACTCATAGATGTTCTTGGTCTCCATGCGGTCCACAGGAATGGCCTTGATGAAG-3'